The following is an entry in ClinVar:

NM_001040108.2(MLH3):c.626C>A (p.Ser209Tyr)

Gene: MLH3 (mutL homolog 3; minus strand). Cytogenetic location: 14q24.3.
Variant type: single nucleotide variant.
Coding change: c.626C>A on transcript NM_001040108.2 (MANE Select); coding-DNA position 626, C replaced by A.
Protein change: p.Ser209Tyr; replaces serine 209 with tyrosine.
Molecular consequence: missense variant.
Genome position (GRCh38, 1-based): chr14:75,049,030, G>T on the plus strand (C>A on the coding strand, the complement: MLH3 is on the minus strand). VCF-style: chr14-75049030-G-T. GRCh37 (hg19) VCF-style: chr14-75515733-G-T.
Other names: c.626C>A, p.Ser209Tyr (NM_014381.3); short protein forms S209Y.
Identifiers: ClinVar variation 1752535 (VCV001752535.2), dbSNP rs776985374, ClinGen allele CA7275994.

ClinVar aggregate classification (germline): Uncertain significance (1 of 4 stars; one submission).

Allele frequency attached by ClinVar (database versions not stated): ExAC 0.00001.

Submission:

Ambry Genetics
Classification: Uncertain significance. Last evaluated: 2021-09-01. Review status: criteria provided, single submitter. Criteria: Ambry Variant Classification Scheme 2023. Collection method: clinical testing. Allele origin: germline.
Comment: The p.S209Y variant (also known as c.626C>A), located in coding exon 1 of the MLH3 gene, results from a C to A substitution at nucleotide position 626. The serine at codon 209 is replaced by tyrosine, an amino acid with dissimilar properties. This amino acid position is conserved. In addition, the in silico prediction for this alteration is inconclusive. Since supporting evidence is limited at this time, the clinical significance of this alteration remains unclear.